The following is an entry in ClinVar:

NM_022773.4(LMF1):c.248G>A (p.Gly83Glu)

Gene: LMF1 (lipase maturation factor 1; minus strand). Cytogenetic location: 16p13.3.
Variant type: single nucleotide variant.
Coding change: c.248G>A on transcript NM_022773.4 (MANE Select); coding-DNA position 248, G replaced by A.
Protein change: p.Gly83Glu; replaces glycine 83 with glutamic acid.
Molecular consequence: missense variant. On other transcripts: 5 prime UTR variant (4), non-coding transcript variant (1).
Genome position (GRCh38, 1-based): chr16:954,612, C>T on the plus strand (G>A on the coding strand, the complement: LMF1 is on the minus strand). VCF-style: chr16-954612-C-T. GRCh37 (hg19) VCF-style: chr16-1004612-C-T.
Other names: c.-556G>A (NM_001352017.2); c.-307G>A (NM_001352018.2); c.-80G>A (NM_001352019.2); c.248G>A, p.Gly83Glu (NM_001352020.1); c.-458G>A (NM_001352021.2); short protein forms G83E.
Identifiers: ClinVar variation 3345396 (VCV003345396.3).
Genomic context (GRCh38, chr16:954,612, plus strand): 5'-CTCGTCCTGTCCTGGAAGTACTGCTGGAAGTTCTTCAGGAACACTCTGCAGGGAAGCAGC[C>T]CCCTGTCACCGATGAGCTGCTTGTTCTGATGGAAAGCCACCAGGAATGCCACGACTGGAA-3'
Protein context (NP_073610.2, residues 73-93): HQNKQLIGDR[Gly83Glu]LLPCRVFLKN

ClinVar aggregate classification (germline): Uncertain significance. Review status: criteria provided, multiple submitters, no conflicts (2 of 4 stars). 3 submissions from 3 submitters: Uncertain significance (2). 1 of the submissions does not count toward it. Last evaluated 2026-08-31.

Conditions:
Cardiovascular phenotype. Identifiers: MedGen CN230736.
LMF1-related disorder. Also called: LMF1-related condition.

gnomAD v4.1: 10 of 1,609,756 alleles (0.00062%); highest among the groups gnomAD compares: African/African-American, 0.0013%; no homozygotes.

Submissions (3):

Ambry Genetics
Classification: Uncertain significance for Cardiovascular phenotype. Last evaluated: 2026-08-31. Review status: criteria provided, single submitter. Criteria: Ambry Variant Classification Scheme 2023. Collection method: clinical testing. Allele origin: germline.
Comment: The p.G83E variant (also known as c.248G>A), located in coding exon 2 of the LMF1 gene, results from a G to A substitution at nucleotide position 248. The glycine at codon 83 is replaced by glutamic acid, an amino acid with similar properties. This amino acid position is highly conserved in available vertebrate species. In addition, this alteration is predicted to be deleterious by in silico analysis. Based on the available evidence, the clinical significance of this variant remains unclear.

Labcorp Genetics (formerly Invitae), Labcorp
Classification: Uncertain significance. Last evaluated: 2025-07-09. Review status: criteria provided, single submitter. Criteria: Invitae Variant Classification Sherloc (09022015). Collection method: clinical testing. Allele origin: germline.
Comment: This sequence change replaces glycine, which is neutral and non-polar, with glutamic acid, which is acidic and polar, at codon 83 of the LMF1 protein (p.Gly83Glu). This variant is not present in population databases (gnomAD no frequency). This missense change has been observed in individual(s) with suspected genetic dyslipidemia (PMID: 36325899). ClinVar contains an entry for this variant (Variation ID: 3345396). An algorithm developed to predict the effect of missense changes on protein structure and function (PolyPhen-2) suggests that this variant is likely to be disruptive. In summary, the available evidence is currently insufficient to determine the role of this variant in disease. Therefore, it has been classified as a Variant of Uncertain Significance.

PreventionGenetics, part of Exact Sciences
Classification: Uncertain significance for LMF1-related condition. Last evaluated: 2024-07-31. Review status: no assertion criteria provided. Collection method: clinical testing. Allele origin: germline. Not counted in ClinVar's aggregate classification.
Comment: The LMF1 c.248G>A variant is predicted to result in the amino acid substitution p.Gly83Glu. This variant has been reported in a study of polygenic risk scores for hypertriglyceridemia (Deshotels et al., 2022. PubMed ID: 36325899, Table S1). It has not been reported in a large population database, indicating this variant is rare. At this time, the clinical significance of this variant is uncertain due to the absence of conclusive functional and genetic evidence.

Literature cited by the submitters: PubMed 36325899 (cited by Labcorp Genetics (formerly Invitae), Labcorp).